The following is an entry in ClinVar:

NM_001040108.2(MLH3):c.72A>G (p.Gln24=)

Gene: MLH3 (mutL homolog 3; minus strand). Cytogenetic location: 14q24.3.
Variant type: single nucleotide variant.
Coding change: c.72A>G on transcript NM_001040108.2 (MANE Select); coding-DNA position 72, A replaced by G.
Protein change: p.Gln24=; no amino-acid change (glutamine 24 retained).
Molecular consequence: synonymous variant.
Genome position (GRCh38, 1-based): chr14:75,049,584, T>C on the plus strand (A>G on the coding strand, the complement: MLH3 is on the minus strand). VCF-style: chr14-75049584-T-C. GRCh37 (hg19) VCF-style: chr14-75516287-T-C.
Other names: c.72A>G, p.Gln24= (NM_014381.3).
Identifiers: ClinVar variation 3295137 (VCV003295137.2).

ClinVar aggregate classification (germline): Benign/Likely benign. Review status: criteria provided, multiple submitters, no conflicts (2 of 4 stars). 2 submissions from 2 submitters: Benign (1); Likely benign (1). Last evaluated 2026-04-28.

Conditions:
Colorectal cancer, hereditary nonpolyposis, type 7. Identifiers: Orphanet 144, MedGen C1858380, MONDO:0013725, OMIM 614385.

Submissions (2):

Myriad Genetics, Inc.
Classification: Benign for Colorectal cancer, hereditary nonpolyposis, type 7. Last evaluated: 2026-04-28. Review status: criteria provided, single submitter. Criteria: Myriad Autosomal Dominant, Autosomal Recessive and X-Linked Classification Criteria (2023). Collection method: clinical testing. Allele origin: unknown.
Comment: This variant is considered benign. This variant is a silent/synonymous amino acid change and it is not expected to impact splicing.

Ambry Genetics
Classification: Likely benign. Last evaluated: 2024-05-10. Review status: criteria provided, single submitter. Criteria: Ambry Variant Classification Scheme 2023. Collection method: clinical testing. Allele origin: germline.